The following is an entry in ClinVar:

NM_013275.6(ANKRD11):c.2221A>G (p.Lys741Glu)

Gene: ANKRD11 (ankyrin repeat domain 11; minus strand). Cytogenetic location: 16q24.3.
Variant type: single nucleotide variant.
Coding change: c.2221A>G on transcript NM_013275.6 (MANE Select); coding-DNA position 2221, A replaced by G.
Protein change: p.Lys741Glu; replaces lysine 741 with glutamic acid.
Molecular consequence: missense variant.
Genome position (GRCh38, 1-based): chr16:89,284,321, T>C on the plus strand (A>G on the coding strand, the complement: ANKRD11 is on the minus strand). VCF-style: chr16-89284321-T-C. GRCh37 (hg19) VCF-style: chr16-89350729-T-C.
Other names: c.2221A>G, p.Lys741Glu (NM_001256182.2, NM_001256183.2); short protein forms K741E.
Identifiers: ClinVar variation 2710543 (VCV002710543.3), dbSNP rs2544242069, ClinGen allele CA397162917.

ClinVar aggregate classification (germline): Uncertain significance (1 of 4 stars; one submission).

Conditions:
KBG syndrome (KBGS). Also called: ANKRD11-Related KBG Syndrome. Identifiers: Orphanet 2332, MedGen C0220687, MONDO:0007846, OMIM 148050.

Submission:

Labcorp Genetics (formerly Invitae), Labcorp
Classification: Uncertain significance for KBG syndrome. Last evaluated: 2024-01-29. Review status: criteria provided, single submitter. Criteria: Invitae Variant Classification Sherloc (09022015). Collection method: clinical testing. Allele origin: germline.
Comment: This sequence change replaces lysine, which is basic and polar, with glutamic acid, which is acidic and polar, at codon 741 of the ANKRD11 protein (p.Lys741Glu). This variant is not present in population databases (gnomAD no frequency). This variant has not been reported in the literature in individuals affected with ANKRD11-related conditions. Advanced modeling of protein sequence and biophysical properties (such as structural, functional, and spatial information, amino acid conservation, physicochemical variation, residue mobility, and thermodynamic stability) performed at Invitae indicates that this missense variant is not expected to disrupt ANKRD11 protein function with a negative predictive value of 95%. In summary, the available evidence is currently insufficient to determine the role of this variant in disease. Therefore, it has been classified as a Variant of Uncertain Significance.